The following is an entry in ClinVar:

ClinVar aggregate classification (germline): Benign/Likely benign. Review status: criteria provided, multiple submitters, no conflicts (2 of 4 stars). 9 submissions from 9 submitters: Benign (2); Likely benign (6). 1 of the submissions does not count toward it. Last evaluated 2026-09-01.

Conditions:
FLNB-related disorder. Also called: FLNB-related condition; FLNB-related disorders. Identifiers: MedGen CN381095.
FLNB-Related Spectrum Disorders.

Allele frequency attached by ClinVar (database versions not stated): gnomAD 0.00018 and 0.00029; TOPMed 0.00023; gnomAD exomes 0.00038 and 0.00077; 1000 Genomes Project 0.00060; 1000 Genomes Project 30x 0.00078; ExAC 0.00103.
gnomAD v4.1: 624 of 1,608,374 alleles (0.039%); highest among the groups gnomAD compares: South Asian, 0.37%; 3 homozygotes.

Submissions (10):

CeGaT Center for Human Genetics Tuebingen
Classification: Likely benign. Last evaluated: 2026-09-01. Review status: criteria provided, single submitter. Criteria: CeGaT Center For Human Genetics Tuebingen Variant Classification Criteria Version 2. Collection method: clinical testing. Allele origin: germline. Affected: yes. Observed: 2 variant alleles.
Comment: FLNB: BP4, BS2

Labcorp Genetics (formerly Invitae), Labcorp
Classification: Benign. Last evaluated: 2026-01-21. Review status: criteria provided, single submitter. Criteria: Invitae Variant Classification Sherloc (09022015). Collection method: clinical testing. Allele origin: germline.

Blueprint Genetics
Classification: Likely benign. Last evaluated: 2024-11-21. Review status: criteria provided, single submitter. Criteria: ACMG Guidelines, 2015. Collection method: clinical testing. Allele origin: germline.

ARUP Laboratories, Molecular Genetics and Genomics, ARUP Laboratories
Classification: Benign. Last evaluated: 2019-01-24. Review status: criteria provided, single submitter. Criteria: ARUP Molecular Germline Variant Investigation Process. Collection method: clinical testing. Allele origin: germline.

Illumina Laboratory Services, Illumina
Classification: Likely benign for FLNB-Related Spectrum Disorders. Last evaluated: 2018-01-12. Review status: criteria provided, single submitter. Criteria: ICSL Variant Classification Criteria 13 December 2019. Collection method: clinical testing. Allele origin: germline.
Comment: This variant was observed in the ICSL laboratory as part of a predisposition screen in an ostensibly healthy population. It had not been previously curated by ICSL or reported in the Human Gene Mutation Database (HGMD: prior to June 1st, 2018), and was therefore a candidate for classification through an automated scoring system. Utilizing variant allele frequency, disease prevalence and penetrance estimates, and inheritance mode, an automated score was calculated to assess if this variant is too frequent to cause the disease. Based on the score and internal cut-off values, a variant classified as likely benign is not then subjected to further curation. The score for this variant resulted in a classification of likely benign for this disease.

GeneDx
Classification: Likely benign. Last evaluated: 2017-11-20. Review status: criteria provided, single submitter. Criteria: GeneDx Variant Classification (06012015). Collection method: clinical testing. Allele origin: germline. Affected: yes.
Comment: This variant is considered likely benign or benign based on one or more of the following criteria: it is a conservative change, it occurs at a poorly conserved position in the protein, it is predicted to be benign by multiple in silico algorithms, and/or has population frequency not consistent with disease.

Eurofins Ntd Llc (ga)
Classification: Likely benign. Last evaluated: 2015-05-11. Review status: criteria provided, single submitter. Criteria: EGL Classification Definitions 2015. Collection method: clinical testing. Allele origin: germline. Observed: 1 variant allele, 1 heterozygote.

Breakthrough Genomics
Classification: Likely benign. Review status: criteria provided, single submitter. Criteria: ACMG Guidelines, 2015. Collection method: not provided. Allele origin: germline. Inheritance: Autosomal recessive inheritance. Affected: yes.

PreventionGenetics, part of Exact Sciences
Classification: Likely benign for FLNB-related condition. Last evaluated: 2019-05-23. Review status: no assertion criteria provided. Collection method: clinical testing. Allele origin: germline. Not counted in ClinVar's aggregate classification.
Comment: This variant is classified as likely benign based on ACMG/AMP sequence variant interpretation guidelines (Richards et al. 2015 PMID: 25741868, with internal and published modifications).

Dr. Peter K. Rogan Lab, Western University
No classification provided (evidence only). Condition: Ovarian serous cystadenocarcinoma. Review status: no classification provided. Collection method: in vitro. Allele origin: not applicable. Functional consequence: retained intron. Not counted in ClinVar's aggregate classification.

NM_001457.4(FLNB):c.4390+8T>A

Gene: FLNB (filamin B; plus strand). Cytogenetic location: 3p14.3.
Variant type: single nucleotide variant.
Coding change: c.4390+8T>A on transcript NM_001457.4 (MANE Select); 8 bases into the intron after coding-DNA position 4390, T replaced by A.
Molecular consequence: intron variant.
Genome position (GRCh38, 1-based): chr3:58,130,916, T>A. VCF-style: chr3-58130916-T-A. GRCh37 (hg19) VCF-style: chr3-58116643-T-A.
Other names: c.4390+8T>A (NM_001164317.2, NM_001164318.2, NM_001164319.2).
Identifiers: ClinVar variation 195867 (VCV000195867.52), dbSNP rs377095569, ClinGen allele CA201984.